The following is an entry in ClinVar:

NM_001563.4(IMPG1):c.2045C>A (p.Ala682Asp)

Gene: IMPG1 (interphotoreceptor matrix proteoglycan 1; minus strand). Cytogenetic location: 6q14.1.
Variant type: single nucleotide variant.
Coding change: c.2045C>A on transcript NM_001563.4 (MANE Select); coding-DNA position 2045, C replaced by A.
Protein change: p.Ala682Asp; replaces alanine 682 with aspartic acid.
Molecular consequence: missense variant.
Genome position (GRCh38, 1-based): chr6:75,931,151, G>T on the plus strand (C>A on the coding strand, the complement: IMPG1 is on the minus strand). VCF-style: chr6-75931151-G-T. GRCh37 (hg19) VCF-style: chr6-76640868-G-T.
Other names: c.1811C>A, p.Ala604Asp (NM_001282368.2); short protein forms A604D, A682D.
Identifiers: ClinVar variation 1389876 (VCV001389876.6), dbSNP rs1781663038, ClinGen allele CA364770368.
Genomic context (GRCh38, chr6:75,931,151, plus strand): 5'-TTCTTTACACATTGGGCAAATTCGCCGCAGGCCAGGAACTTGCAGGGATCTGCTTGATCA[G>T]CTGTAAGAAATGGGGCAGATTTTAACGCATGTATGAATAGCTAAGCAATGGAACTGGCAG-3'
Protein context (NP_001554.2, residues 672-692): IDSYSLNIEP[Ala682Asp]DQADPCKFLA

ClinVar aggregate classification (germline): Uncertain significance (1 of 4 stars; one submission).

Submission:

Labcorp Genetics (formerly Invitae), Labcorp
Classification: Uncertain significance. Last evaluated: 2023-10-17. Review status: criteria provided, single submitter. Criteria: Invitae Variant Classification Sherloc (09022015). Collection method: clinical testing. Allele origin: germline.
Comment: This sequence change replaces alanine, which is neutral and non-polar, with aspartic acid, which is acidic and polar, at codon 682 of the IMPG1 protein (p.Ala682Asp). This variant is not present in population databases (gnomAD no frequency). This variant has not been reported in the literature in individuals affected with IMPG1-related conditions. ClinVar contains an entry for this variant (Variation ID: 1389876). Algorithms developed to predict the effect of missense changes on protein structure and function output the following: SIFT: "Not Available"; PolyPhen-2: "Benign"; Align-GVGD: "Not Available". The aspartic acid amino acid residue is found in multiple mammalian species, which suggests that this missense change does not adversely affect protein function. In summary, the available evidence is currently insufficient to determine the role of this variant in disease. Therefore, it has been classified as a Variant of Uncertain Significance.